The following is an entry in ClinVar:

ClinVar aggregate classification (germline): Uncertain significance (1 of 4 stars; one submission).

Conditions:
Exostoses, multiple, type 2 (EXT2). Also called: Hereditary Multiple Osteochondromatosis, Type II; EXOSTOSES, MULTIPLE, TYPE II. Identifiers: Orphanet 321, MedGen C1851413, MONDO:0007586, OMIM 133701.

gnomAD v4.1: 17 of 1,614,002 alleles (0.0011%); highest among the groups gnomAD compares: Non-Finnish European, 0.0014%; no homozygotes.

Submission:

Labcorp Genetics (formerly Invitae), Labcorp
Classification: Uncertain significance for Exostoses, multiple, type 2. Last evaluated: 2025-10-21. Review status: criteria provided, single submitter. Criteria: Invitae Variant Classification Sherloc (09022015). Collection method: clinical testing. Allele origin: germline.
Comment: This sequence change replaces isoleucine, which is neutral and non-polar, with threonine, which is neutral and polar, at codon 418 of the EXT2 protein (p.Ile418Thr). This variant is present in population databases (rs778977030, gnomAD 0.002%). This variant has not been reported in the literature in individuals affected with EXT2-related conditions. Invitae Evidence Modeling of protein sequence and biophysical properties (such as structural, functional, and spatial information, amino acid conservation, physicochemical variation, residue mobility, and thermodynamic stability) has been performed for this missense variant. However, the output from this modeling did not meet the statistical confidence thresholds required to predict the impact of this variant on EXT2 protein function. In summary, the available evidence is currently insufficient to determine the role of this variant in disease. Therefore, it has been classified as a Variant of Uncertain Significance.

NM_207122.2(EXT2):c.1253T>C (p.Ile418Thr)

Gene: EXT2 (exostosin glycosyltransferase 2; plus strand). Cytogenetic location: 11p11.2.
Variant type: single nucleotide variant.
Coding change: c.1253T>C on transcript NM_207122.2 (MANE Select); coding-DNA position 1253, T replaced by C.
Protein change: p.Ile418Thr; replaces isoleucine 418 with threonine.
Molecular consequence: missense variant.
Genome position (GRCh38, 1-based): chr11:44,171,690, T>C. VCF-style: chr11-44171690-T-C. GRCh37 (hg19) VCF-style: chr11-44193240-T-C.
Other names: c.1352T>C, p.Ile451Thr (NM_000401.3); c.1283T>C, p.Ile428Thr (NM_001178083.3); c.1253T>C, p.Ile418Thr (NM_001389628.1, NM_001389630.1); short protein forms I451T, I428T, I418T.
Identifiers: ClinVar variation 4751067 (VCV004751067.1).
Genomic context (GRCh38, chr11:44,171,690, plus strand): 5'-CGTACTTCCAGTCAATTAAAGCCATTGCCCTGGCCACCCTGCAGATTATCAATGACCGGA[T>C]CTATCCATATGCTGCCATCTCCTATGAAGAATGGAATGACCCTCCTGCTGTGGTAAGTGA-3'
Protein context (NP_997005.1, residues 408-428): LATLQIINDR[Ile418Thr]YPYAAISYEE